The following is an entry in ClinVar:

ClinVar aggregate classification (germline): Likely benign (1 of 4 stars; one submission).

Conditions:
Mendelian susceptibility to mycobacterial diseases due to complete IL12B deficiency. Also called: IL12B DEFICIENCY; Immunodeficiency 29. Identifiers: Orphanet 319558, MedGen C4013948, MONDO:0013954, OMIM 614890.

Allele frequency attached by ClinVar (database versions not stated): gnomAD 0.00014 and 0.00038; TOPMed 0.00015; 1000 Genomes Project 30x 0.00203; 1000 Genomes Project 0.00260.

Submission:

Illumina Laboratory Services, Illumina
Classification: Likely benign for Mendelian susceptibility to mycobacterial diseases due to complete IL12B deficiency. Last evaluated: 2018-01-13. Review status: criteria provided, single submitter. Criteria: ICSL Variant Classification Criteria 13 December 2019. Collection method: clinical testing. Allele origin: germline.
Comment: This variant was observed in the ICSL laboratory as part of a predisposition screen in an ostensibly healthy population. It had not been previously curated by ICSL or reported in the Human Gene Mutation Database (HGMD: prior to June 1st, 2018), and was therefore a candidate for classification through an automated scoring system. Utilizing variant allele frequency, disease prevalence and penetrance estimates, and inheritance mode, an automated score was calculated to assess if this variant is too frequent to cause the disease. Based on the score and internal cut-off values, a variant classified as likely benign is not then subjected to further curation. The score for this variant resulted in a classification of likely benign for this disease.

NM_002187.3(IL12B):c.*293G>A

Gene: IL12B (interleukin 12B; minus strand). Cytogenetic location: 5q33.3.
Variant type: single nucleotide variant.
Coding change: c.*293G>A on transcript NM_002187.3 (MANE Select); 293 bases downstream of the stop codon, G replaced by A.
Molecular consequence: 3 prime UTR variant.
Genome position (GRCh38, 1-based): chr5:159,315,808, C>T on the plus strand (G>A on the coding strand, the complement: IL12B is on the minus strand). VCF-style: chr5-159315808-C-T. GRCh37 (hg19) VCF-style: chr5-158742816-C-T.
Identifiers: ClinVar variation 904115 (VCV000904115.4), dbSNP rs561157719, ClinGen allele CA129823129.